The following is an entry in ClinVar:

ClinVar aggregate classification (germline): protective (1 of 4 stars; one submission).

Conditions:
Metabolic syndrome, susceptibility to. Identifiers: MedGen C2676079.

Allele frequency attached by ClinVar (database versions not stated): gnomAD 0.69803 and 0.70083; TOPMed 0.71229; 1000 Genomes Project 30x 0.76421; 1000 Genomes Project 0.76558.
gnomAD v4.1: 106,489 of 152,046 alleles (70%); highest among the groups gnomAD compares: East Asian, 89%; 38,247 homozygotes.

Submission:

Laboratory of Immunology and Cellular Biotechnologies, Immanuel Kant Baltic Federal University
Classification: protective for Metabolic syndrome, susceptibility to. Last evaluated: 2017-06-01. Review status: criteria provided, single submitter. Criteria: Faatakhov et al (Bull Exp Biol Med. 2017). Collection method: case-control. Allele origin: germline. Affected: yes and no. Observed: 256 variant alleles, 39 heterozygotes, 19 homozygotes. Clinical features observed: Abdominal obesity (HP:0012743).
Comment: A case-control study included 70 patients with schizophrenia who had metabolic syndrome defined according to the International Diabetes Federation definition and 190 normal weight patients with schizophrenia. It has been revealed that the T allele of the T-786C (rs2070744) polymorphism in the NOS3 gene is associated with a lower risk of developing metabolic syndrome in patients with schizophrenia.

NM_000603.5(NOS3):c.-51-762C>T

Genes: NOS3 (nitric oxide synthase 3; plus strand), LOC110973015 (NOS3 5' regulatory region; plus strand). Cytogenetic location: 7q36.1.
Variant type: single nucleotide variant.
Coding change: c.-51-762C>T on transcript NM_000603.5 (MANE Select); 762 bases into the intron before 51 bases upstream of the start codon, C replaced by T.
Molecular consequence: intron variant.
Genome position (GRCh38, 1-based): chr7:150,992,991, C>T. VCF-style: chr7-150992991-C-T. GRCh37 (hg19) VCF-style: chr7-150690079-C-T.
Other names: T-786C; c.-813C>T (NM_001160110.1).
Identifiers: ClinVar variation 517660 (VCV000517660.5), dbSNP rs2070744, ClinGen allele CA12488582.